The following is an entry in ClinVar:

NM_000059.4(BRCA2):c.7008-3523T>C

Gene: BRCA2 (BRCA2 DNA repair associated; plus strand). Cytogenetic location: 13q13.1.
Variant type: single nucleotide variant.
Coding change: c.7008-3523T>C on transcript NM_000059.4 (MANE Select); 3523 bases into the intron before coding-DNA position 7008, T replaced by C.
Molecular consequence: intron variant.
Genome position (GRCh38, 1-based): chr13:32,351,338, T>C. VCF-style: chr13-32351338-T-C. GRCh37 (hg19) VCF-style: chr13-32925475-T-C.
Other names: IVS 13-3523T>C.
Identifiers: ClinVar variation 209741 (VCV000209741.1), dbSNP rs142003293, ClinGen allele CA276709.

ClinVar aggregate classification (germline): Benign (3 of 4 stars; one submission).

Conditions:
Breast-ovarian cancer, familial, susceptibility to, 2 (BROVCA2). Also called: BRCA2 Hereditary Breast and Ovarian Cancer. Identifiers: Orphanet 145, MedGen C2675520, MONDO:0012933, OMIM 612555. Disease mechanism: loss of function.

Allele frequency attached by ClinVar (database versions not stated): gnomAD 0.00169; TOPMed 0.00222; 1000 Genomes Project 30x 0.00640; 1000 Genomes Project 0.00799.
gnomAD v4.1: 231 of 151,536 alleles (0.15%); highest among the groups gnomAD compares: East Asian, 2.8%; 4 homozygotes.

Submission:

Evidence-based Network for the Interpretation of Germline Mutant Alleles (ENIGMA)
Classification: Benign for Breast-ovarian cancer, familial 2. Last evaluated: 2015-01-12. Review status: reviewed by expert panel. Criteria: ENIGMA BRCA1/2 Classification Criteria (2015). Collection method: curation. Allele origin: germline.
Comment: Class 1 not pathogenic based on frequency >1% in an outbred sampleset. Frequency 0.02448 (Asian), derived from 1000 genomes (2012-04-30).